The following is an entry in ClinVar:

NM_001128148.3(TFRC):c.1690C>T (p.Pro564Ser)

Gene: TFRC (transferrin receptor; minus strand). Cytogenetic location: 3q29.
Variant type: single nucleotide variant.
Coding change: c.1690C>T on transcript NM_001128148.3 (MANE Select); coding-DNA position 1690, C replaced by T.
Protein change: p.Pro564Ser; replaces proline 564 with serine.
Molecular consequence: missense variant.
Genome position (GRCh38, 1-based): chr3:196,055,289, G>A on the plus strand (C>T on the coding strand, the complement: TFRC is on the minus strand). VCF-style: chr3-196055289-G-A. GRCh37 (hg19) VCF-style: chr3-195782160-G-A.
Other names: c.1447C>T, p.Pro483Ser (NM_001313965.2); c.844C>T, p.Pro282Ser (NM_001313966.2); c.1690C>T, p.Pro564Ser (NM_003234.4); short protein forms P282S, P483S, P564S.
Identifiers: ClinVar variation 1434882 (VCV001434882.6), dbSNP rs571673598, ClinGen allele CA2777794.

ClinVar aggregate classification (germline): Uncertain significance (1 of 4 stars; one submission).

Allele frequency attached by ClinVar (database versions not stated): gnomAD 0.00009; gnomAD exomes 0.00018; ExAC 0.00019; 1000 Genomes Project 30x 0.00094; 1000 Genomes Project 0.00120; TOPMed 0.00002.
gnomAD v4.1: 162 of 1,614,066 alleles (0.01%); highest among the groups gnomAD compares: South Asian, 0.17%; 1 homozygote.

Submission:

Labcorp Genetics (formerly Invitae), Labcorp
Classification: Uncertain significance. Last evaluated: 2025-10-01. Review status: criteria provided, single submitter. Criteria: Invitae Variant Classification Sherloc (09022015). Collection method: clinical testing. Allele origin: germline.
Comment: This sequence change replaces proline, which is neutral and non-polar, with serine, which is neutral and polar, at codon 564 of the TFRC protein (p.Pro564Ser). This variant is present in population databases (rs571673598, gnomAD 0.2%), and has an allele count higher than expected for a pathogenic variant. This variant has not been reported in the literature in individuals affected with TFRC-related conditions. ClinVar contains an entry for this variant (Variation ID: 1434882). Invitae Evidence Modeling of protein sequence and biophysical properties (such as structural, functional, and spatial information, amino acid conservation, physicochemical variation, residue mobility, and thermodynamic stability) indicates that this missense variant is not expected to disrupt TFRC protein function with a negative predictive value of 80%. In summary, the available evidence is currently insufficient to determine the role of this variant in disease. Therefore, it has been classified as a Variant of Uncertain Significance.